The following is an entry in ClinVar:

NM_007294.4(BRCA1):c.32T>G (p.Val11Gly)

Gene: BRCA1 (BRCA1 DNA repair associated; minus strand). Cytogenetic location: 17q21.31.
Variant type: single nucleotide variant.
Coding change: c.32T>G on transcript NM_007294.4 (MANE Select); coding-DNA position 32, T replaced by G.
Protein change: p.Val11Gly; replaces valine 11 with glycine.
Molecular consequence: missense variant. On other transcripts: 5 prime UTR variant (1), non-coding transcript variant (1).
Genome position (GRCh38, 1-based): chr17:43,124,065, A>C on the plus strand (T>G on the coding strand, the complement: BRCA1 is on the minus strand). VCF-style: chr17-43124065-A-C. GRCh37 (hg19) VCF-style: chr17-41276082-A-C.
Other names: NM_007294.4(BRCA1):c.32T>G; p.Val11Gly; c.-229T>G (NM_001407730.1, NM_001407734.1, NM_001407739.1 and 22 more transcripts); c.-226T>G (NM_001407731.1, NM_001407733.1, NM_001407749.1 and 11 more transcripts); c.-56T>G (NM_001407732.1, NM_001407736.1, NM_001407738.1 and 23 more transcripts); c.-233T>G (NM_001407741.1, NM_001407934.1, NM_001408497.1); c.-175T>G (NM_001407751.1, NM_001407726.1); c.-106T>G (NM_001407841.1); and 10 more; short protein forms V11G.
Identifiers: ClinVar variation 245973 (VCV000245973.20), dbSNP rs80357017, ClinGen allele CA10584577.
Genomic context (GRCh38, chr17:43,124,065, plus strand): 5'-GTGCTGACTTACCAGATGGGACACTCTAAGATTTTCTGCATAGCATTAATGACATTTTGT[A>C]CTTCTTCAACGCGAAGAGCAGATAAATCCATTTCTTTCTGTTCCAATGAACTTTAACACA-3'
Protein context (NP_009225.1, residues 1-21): MDLSALRVEE[Val11Gly]QNVINAMQKI

ClinVar aggregate classification (germline): Likely pathogenic. Review status: reviewed by expert panel (3 of 4 stars). 5 submissions from 5 submitters: Likely pathogenic (1). 4 of the submissions do not count toward it. Last evaluated 2025-12-02.

Conditions:
BRCA1-related cancer predisposition. Identifiers: MedGen CN377757, MONDO:0700268.
Hereditary breast ovarian cancer syndrome. Also called: Hereditary breast and ovarian cancer syndrome (HBOC); Breast and ovarian cancer; Hereditary breast and ovarian cancer syndrome; Hereditary breast and ovarian cancer; BRCA1- and BRCA2-Associated Hereditary Breast and Ovarian Cancer; Hereditary breast and/or ovarian cancer syndrome. Identifiers: Orphanet 145, MedGen C0677776, MeSH D061325, MONDO:0003582. Disease mechanism: loss of function.
Hereditary cancer-predisposing syndrome. Also called: Hereditary Cancer Syndrome; Neoplastic Syndromes, Hereditary; Hereditary neoplastic syndrome; Tumor predisposition. Identifiers: Orphanet 140162, MedGen C0027672, MeSH D009386, MONDO:0015356.

Submissions (6):

ClinGen ENIGMA BRCA1 and BRCA2 Variant Curation Expert Panel, ClinGen
Classification: Likely pathogenic for BRCA1-related cancer predisposition. Last evaluated: 2025-12-02. Review status: reviewed by expert panel. Criteria: CSpec BRCA12ACMG Rules Specifications V1.1. Collection method: curation. Allele origin: germline. Inheritance: Autosomal dominant inheritance.
Comment: The c.32T>G variant in BRCA1 is a missense variant predicted to cause substitution of Valine by Glycine at amino acid 11 (p.(Val11Gly)). This variant is absent from gnomAD v2.1 (exomes only, non-cancer subset, read depth ≥25) and gnomAD v3.1 (non-cancer subset, read depth ≥25) (PM2_Supporting met). Reported by 2 calibrated studies to exhibit protein function similar to pathogenic control variants (PMIDs: 30209399, 35659930) (PS3 met). This BRCA1 missense variant is within a key functional domain and the computational predictor BayesDel (noAF) gives a score of 0.325, above the recommended threshold of 0.28 for prediction of impact on BRCA1 function via protein change. A SpliceAI score of 0.05 predicts no impact on splicing (score threshold ≤0.1) (PP3 met). Multifactorial likelihood ratio analysis using clinically calibrated data produced a combined LR for this variant of 1.15 (based on Family History LR=1.15), which is above the ENIGMA BRCA1/2 VCEP threshold for BP5 (>0.48) and below PP4 (<2.08) (BP5 and PP4 not met; PMID: 31853058). In summary, this variant meets the criteria to be classified as a Likely pathogenic variant for BRCA1-related cancer predisposition based on the ACMG/AMP criteria applied as specified by the ENIGMA BRCA1/2 VCEP (PM2_Supporting, PS3, PP3).

Ambry Genetics
Classification: Likely pathogenic for Hereditary cancer-predisposing syndrome. Last evaluated: 2025-05-22. Review status: criteria provided, single submitter. Criteria: Ambry Variant Classification Scheme 2023. Collection method: clinical testing. Allele origin: germline. Not counted in ClinVar's aggregate classification.
Comment: The p.V11G variant (also known as c.32T>G), located in coding exon 1 of the BRCA1 gene, results from a T to G substitution at nucleotide position 32. The valine at codon 11 is replaced by glycine, an amino acid with dissimilar properties. One functional study found that this nucleotide substitution is non-functional in a high-throughput, genome editing, haploid cell survival assay. (Findlay GM et al. Nature, 2018 10;562:217-222). This variant is considered to be rare based on population cohorts in the Genome Aggregation Database (gnomAD). This amino acid position is highly conserved in available vertebrate species. In addition, this alteration is predicted to be deleterious by in silico analysis. Based on the majority of available evidence to date, this variant is likely to be pathogenic.

Quest Diagnostics Nichols Institute San Juan Capistrano
Classification: Uncertain significance. Last evaluated: 2025-03-27. Review status: criteria provided, single submitter. Criteria: Quest Diagnostics criteria. Collection method: clinical testing. Allele origin: unknown. Not counted in ClinVar's aggregate classification.
Comment: The BRCA1 c.32T>G (p.Val11Gly) variant has been reported in the published literature in individuals affected with prostate cancer (PMID: 36922933 (2022)), hereditary breast and ovarian cancer (PMID: 30702160 (2019)), and other BRCA1-associated cancers (PMID: 31853058 (2020)). Functional studies demonstrated that this variant lost functional activity in large-scale, high-throughput multiplexed assays (PMID: 30209399 (2018), PMID: 39627863 (2024), PMID: 34793697 (2021), PMID: 35659930 (2022)). The variant is located in a region that is considered important for protein function and/or structure (PMID: 11573085 (2001)). This variant has not been reported in large, multi-ethnic general populations (Genome Aggregation Database). Analysis of this variant using bioinformatics tools for the prediction of the effect of amino acid changes on protein structure and function yielded predictions that this variant is damaging. Based on the available information, we are unable to determine the clinical significance of this variant.

Labcorp Genetics (formerly Invitae), Labcorp
Classification: Uncertain significance for Hereditary breast ovarian cancer syndrome. Last evaluated: 2022-12-10. Review status: criteria provided, single submitter. Criteria: Invitae Variant Classification Sherloc (09022015). Collection method: clinical testing. Allele origin: germline. Not counted in ClinVar's aggregate classification.
Comment: In summary, the available evidence is currently insufficient to determine the role of this variant in disease. Therefore, it has been classified as a Variant of Uncertain Significance. Advanced modeling performed at Invitae incorporating data from internal and/or published experimental studies (PMID: 30209399) indicates that this missense variant is expected to disrupt BRCA1 function. ClinVar contains an entry for this variant (Variation ID: 245973). This variant has not been reported in the literature in individuals affected with BRCA1-related conditions. This sequence change replaces valine, which is neutral and non-polar, with glycine, which is neutral and non-polar, at codon 11 of the BRCA1 protein (p.Val11Gly). This variant is not present in population databases (gnomAD no frequency).

GeneDx
Classification: Uncertain significance. Last evaluated: 2016-09-27. Review status: criteria provided, single submitter. Criteria: GeneDx Variant Classification (06012015). Collection method: clinical testing. Allele origin: germline. Affected: yes. Not counted in ClinVar's aggregate classification.
Comment: This variant is denoted BRCA1 c.32T>G at the cDNA level, p.Val11Gly (V11G) at the protein level, and results in the change of a Valine to a Glycine (GTA>GGA). Using alternate nomenclature, this variant would be defined as BRCA1 151T>G. This variant has not, to our knowledge, been published in the literature as being pathogenic or benign. BRCA1 Val11Gly was not observed in approximately 6,500 individuals of European and African American ancestry in the NHLBI Exome Sequencing Project, suggesting it is not a common benign variant in these populations. Since Valine and Glycine share similar properties, this is considered a conservative amino acid substitution. BRCA1 Val11Gly occurs at a position that is conserved through mammals and is located in the RING domain and the regions of interaction with BRD7 and BARD1 (Narod 2004, Borg 2010, Harte 2010, Paul 2014). In silico analyses predict that this variant is probably damaging to protein structure and function. Based on currently available evidence, it is unclear whether BRCA1 Val11Gly is pathogenic or benign. We consider it to be a variant of uncertain significance.

Brotman Baty Institute, University of Washington
No classification provided (evidence only). Condition: Breast-ovarian cancer, familial 1. Review status: no classification provided. Collection method: in vitro. Allele origin: not applicable. Functional consequence: functionally_abnormal. Not counted in ClinVar's aggregate classification.
ClinVar note: "not provided" was previously submitted as the classification for the variant. However, the classification appeared to be based only on an observation of functional data so it was converted to no classification on 2025-07-30.

Literature cited by the submitters: PubMed 30209399 (cited by 3 submitters); PubMed 30219179 (cited by Ambry Genetics and Quest Diagnostics Nichols Institute San Juan Capistrano); PubMed 30702160 (cited by Quest Diagnostics Nichols Institute San Juan Capistrano); PubMed 31853058 (cited by Quest Diagnostics Nichols Institute San Juan Capistrano); PubMed 32377563 (cited by Quest Diagnostics Nichols Institute San Juan Capistrano); PubMed 34793697 (cited by Quest Diagnostics Nichols Institute San Juan Capistrano); PubMed 31911673 (cited by Quest Diagnostics Nichols Institute San Juan Capistrano); PubMed 39627863 (cited by Quest Diagnostics Nichols Institute San Juan Capistrano); PubMed 35534113 (cited by Quest Diagnostics Nichols Institute San Juan Capistrano); PubMed 36922933 (cited by Quest Diagnostics Nichols Institute San Juan Capistrano); PubMed 35659930 (cited by Quest Diagnostics Nichols Institute San Juan Capistrano).